The following is an entry in ClinVar:

NM_016529.6(ATP8A2):c.1272T>G (p.Tyr424Ter)

Gene: ATP8A2 (ATPase phospholipid transporting 8A2). Cytogenetic location: 13q12.13.
Variant type: single nucleotide variant.
Coding change: c.1272T>G on transcript NM_016529.6 (MANE Select); coding-DNA position 1272, T replaced by G.
Protein change: p.Tyr424Ter; replaces tyrosine 424 with a stop codon.
Molecular consequence: nonsense.
Genome position (GRCh38, 1-based): chr13:25,558,981, T>G. VCF-style: chr13-25558981-T-G. GRCh37 (hg19) VCF-style: chr13-26133119-T-G.
Other names: c.1152T>G, p.Tyr384Ter (NM_001313741.1); c.1272T>G, p.Tyr424Ter (NM_001411005.1, NM_001411006.1); short protein forms Y384*, Y424*.
Identifiers: ClinVar variation 2444321 (VCV002444321.1), dbSNP rs1593531290, ClinGen allele CA387613498.
Genomic context (GRCh38, chr13:25,558,981, plus strand): 5'-TCTTTGCATCTCAATACTTCCTGATGTATATTTCTTTTATTCTTTGGTTTAGGTGAAATA[T>G]CTCTTTTCTGACAAGACTGGAACGCTTACATGCAATATCATGAACTTTAAGAAGTGCAGC-3'

ClinVar aggregate classification (germline): Pathogenic (1 of 4 stars; one submission).

Conditions:
Cerebellar ataxia, impaired intellectual development, and dysequilibrium syndrome 4. Also called: Cerebellar ataxia, intellectual disability, and dysequilibrium syndrome 4; CEREBELLAR ATAXIA AND MENTAL RETARDATION WITH OR WITHOUT QUADRUPEDAL LOCOMOTION 4; Cerebellar ataxia, mental retardation, and dysequilibrium syndrome 4. Identifiers: Orphanet 1766, MedGen C3808977, MONDO:0014104, OMIM 615268.

Allele frequency attached by ClinVar (database versions not stated): gnomAD exomes below 0.00001; TOPMed below 0.00001.
gnomAD v4.1: 2 of 1,605,358 alleles (0.00012%); highest among the groups gnomAD compares: Admixed American, 0.0017%; no homozygotes.

Submission:

3billion
Classification: Pathogenic for Cerebellar ataxia, impaired intellectual development, and dysequilibrium syndrome 4. Last evaluated: 2023-02-23. Review status: criteria provided, single submitter. Criteria: ACMG Guidelines, 2015. Collection method: clinical testing. Allele origin: unknown. Affected: yes.
Comment: The variant is not observed in the gnomAD v2.1.1 dataset. This variant was predicted to result in a loss or disruption of normal protein function through nonsense-mediated decay (NMD) or protein truncation. Multiple pathogenic variants are reported downstream of the variant. Therefore, this variant is classified as Pathogenic according to the recommendation of ACMG/AMP guideline.